The following is an entry in ClinVar:

NM_144498.4(OSBPL2):c.158_159del (p.Gln53fs)

Gene: OSBPL2 (oxysterol binding protein like 2; plus strand). Cytogenetic location: 20q13.33.
Variant type: Deletion.
Coding change: c.158_159del on transcript NM_144498.4 (MANE Select); coding-DNA positions 158 to 159, 2 bases deleted (AA; older notation c.158_159delAA).
Protein change: p.Gln53fs; shifts the reading frame from glutamine 53.
Molecular consequence: frameshift variant. On other transcripts: 5 prime UTR variant (1), intron variant (1).
Genome position (GRCh38, 1-based): chr20:62,260,101-62,260,102, AA deleted. VCF-style (leftmost placement, unchanged base first): chr20-62260100-CAA-C. GRCh37 (hg19) VCF-style: chr20-60835156-CAA-C.
Other names: c.-209_-208del (NM_001363878.2); c.122_123del, p.Gln41fs (NM_014835.5); c.-184-3515_-184-3514del (NM_001278649.3); c.122_123del (NM_014835.4); short protein forms Q41fs, Q53fs.
Identifiers: ClinVar variation 987443 (VCV000987443.3), dbSNP rs1981200603, ClinGen allele CA915940532.

ClinVar aggregate classification (germline): Pathogenic. Review status: criteria provided, multiple submitters, no conflicts (2 of 4 stars). 2 submissions from 2 submitters: Pathogenic (2). Last evaluated 2022-06-20.

Conditions:
Autosomal dominant nonsyndromic hearing loss 67. Also called: Deafness, autosomal dominant 67. Identifiers: Orphanet 90635, MedGen C4084712, MONDO:0014594, OMIM 616340.

Submissions (2):

Laboratorio de Genetica e Diagnostico Molecular, Hospital Israelita Albert Einstein
Classification: Pathogenic for Autosomal dominant nonsyndromic hearing loss 67. Last evaluated: 2022-06-20. Review status: criteria provided, single submitter. Criteria: ACMG Guidelines, 2015. Collection method: clinical testing. Allele origin: germline. Affected: yes. Observed: 1 variant allele.
Comment: ACMG classification criteria: PVS1 very strong, PS4 strong, PM2 moderated, PP1 strong

Institute of Medical Genetics and Applied Genomics, University Hospital Tübingen
Classification: Pathogenic. Last evaluated: 2020-10-23. Review status: criteria provided, single submitter. Criteria: ACMG Guidelines, 2015. Collection method: clinical testing. Allele origin: germline. Inheritance: Autosomal dominant inheritance. Affected: yes.